The following is an entry in ClinVar:

ClinVar aggregate classification (germline): Uncertain significance (1 of 4 stars; one submission).

Conditions:
Ehlers-Danlos syndrome due to tenascin-X deficiency (EDSCLL1). Also called: EHLERS-DANLOS SYNDROME, CLASSIC-LIKE; Ehlers-Danlos syndrome, classic-like, 1; EDS DUE TO TNX DEFICIENCY; TNX DEFICIENCY; TNXB-Related Classical-Like Ehlers-Danlos Syndrome. Identifiers: Orphanet 230839, MedGen C1848029, MONDO:0011670, OMIM 606408.

Submission:

Myriad Genetics, Inc.
Classification: Uncertain significance for Ehlers-Danlos syndrome due to tenascin-X deficiency. Last evaluated: 2026-08-13. Review status: criteria provided, single submitter. Criteria: Myriad Autosomal Dominant, Autosomal Recessive and X-Linked Classification Criteria (2023). Collection method: clinical testing. Allele origin: unknown.
Comment: NM_019105.6(TNXB):c.1A>G(M1?) is an initiation codon variant classified as a variant of uncertain significance in the context of classical-like Ehlers-Danlos syndrome, TNXB-related. M1? has not been observed in cases with relevant disease. Relevant functional assessments of this variant are not available in the literature. M1? has not been observed in referenced population frequency databases. In summary, there is insufficient evidence to classify NM_019105.6(TNXB):c.1A>G(M1?) as pathogenic or benign. Please note: this variant was assessed in the context of healthy population screening.

NM_001365276.2(TNXB):c.1A>G (p.Met1Val)

Gene: TNXB (tenascin XB; minus strand). Cytogenetic location: 6p21.33.
Variant type: single nucleotide variant.
Coding change: c.1A>G on transcript NM_001365276.2 (MANE Select); coding-DNA position 1, A replaced by G.
Protein change: p.Met1Val; changes the start codon (methionine 1).
Molecular consequence: missense variant, initiator codon variant.
Genome position (GRCh38, 1-based): chr6:32,098,198, T>C on the plus strand (A>G on the coding strand, the complement: TNXB is on the minus strand). VCF-style: chr6-32098198-T-C. GRCh37 (hg19) VCF-style: chr6-32065975-T-C.
Other names: c.1A>G, p.Met1Val (NM_001428335.1, NM_019105.8); short protein forms M1V.
Identifiers: ClinVar variation 5004323 (VCV005004323.1).